The following is an entry in ClinVar:

ClinVar aggregate classification (germline): Uncertain significance (1 of 4 stars; one submission).

Conditions:
Arrhythmogenic right ventricular dysplasia 9 (ARVD9). Also called: Arrhythmogenic Right Ventricular Dysplasia/Cardiomyopathy 9; ARRHYTHMOGENIC RIGHT VENTRICULAR DYSPLASIA, FAMILIAL, 9. Identifiers: MedGen C1836906, MONDO:0012180, OMIM 609040.

Allele frequency attached by ClinVar (database versions not stated): gnomAD exomes below 0.00001.
gnomAD v4.1: 1 of 1,613,532 alleles (0.000062%); highest among the groups gnomAD compares: Non-Finnish European, 0.000085%; no homozygotes.

Submission:

Labcorp Genetics (formerly Invitae), Labcorp
Classification: Uncertain significance for Arrhythmogenic right ventricular dysplasia 9. Last evaluated: 2022-08-09. Review status: criteria provided, single submitter. Criteria: Invitae Variant Classification Sherloc (09022015). Collection method: clinical testing. Allele origin: germline.
Comment: In summary, the available evidence is currently insufficient to determine the role of this variant in disease. Therefore, it has been classified as a Variant of Uncertain Significance. Algorithms developed to predict the effect of sequence changes on RNA splicing suggest that this variant may create or strengthen a splice site. Algorithms developed to predict the effect of missense changes on protein structure and function (SIFT, PolyPhen-2, Align-GVGD) all suggest that this variant is likely to be disruptive. ClinVar contains an entry for this variant (Variation ID: 1506240). This variant has not been reported in the literature in individuals affected with PKP2-related conditions. This variant is not present in population databases (gnomAD no frequency). This sequence change replaces asparagine, which is neutral and polar, with serine, which is neutral and polar, at codon 557 of the PKP2 protein (p.Asn557Ser).

NM_001005242.3(PKP2):c.1538A>G (p.Asn513Ser)

Gene: PKP2 (plakophilin 2; minus strand). Cytogenetic location: 12p11.21.
Variant type: single nucleotide variant.
Coding change: c.1538A>G on transcript NM_001005242.3 (MANE Select); coding-DNA position 1538, A replaced by G.
Protein change: p.Asn513Ser; replaces asparagine 513 with serine.
Molecular consequence: missense variant.
Genome position (GRCh38, 1-based): chr12:32,841,046, T>C on the plus strand (A>G on the coding strand, the complement: PKP2 is on the minus strand). VCF-style: chr12-32841046-T-C. GRCh37 (hg19) VCF-style: chr12-32993980-T-C.
Other names: c.1670A>G, p.Asn557Ser (NM_004572.4); short protein forms N557S, N513S.
Identifiers: ClinVar variation 1506240 (VCV001506240.8), dbSNP rs2137829917, ClinGen allele CA384367282.